The following is an entry in ClinVar:

ClinVar aggregate classification (germline): Likely benign. Review status: criteria provided, multiple submitters, no conflicts (2 of 4 stars). 3 submissions from 3 submitters: Likely benign (3). Last evaluated 2026-09-21.

Conditions:
Autosomal recessive limb-girdle muscular dystrophy type 2J (LGMDR10). Also called: Limb-girdle muscular dystrophy, type 2J; MUSCULAR DYSTROPHY, LIMB-GIRDLE, AUTOSOMAL RECESSIVE 10. Identifiers: Orphanet 140922, MedGen C1837342, MONDO:0012127, OMIM 608807.
Dilated cardiomyopathy 1G (CMD1G). Identifiers: Orphanet 154, MedGen C1858763, MONDO:0011400, OMIM 604145.

Allele frequency attached by ClinVar (database versions not stated): gnomAD exomes below 0.00001.
gnomAD v4.1: 2 of 1,613,932 alleles (0.00012%); highest among the groups gnomAD compares: Non-Finnish European, 0.00017%; no homozygotes.

Submissions (3):

Molecular Diagnostic Laboratory for Inherited Cardiovascular Disease, Montreal Heart Institute
Classification: Likely benign. Last evaluated: 2026-09-21. Review status: criteria provided, single submitter. Criteria: ACMG Guidelines, 2015. Collection method: clinical testing. Allele origin: germline. Affected: no.
Comment: BP7

Labcorp Genetics (formerly Invitae), Labcorp
Classification: Likely benign for Dilated cardiomyopathy 1G; Autosomal recessive limb-girdle muscular dystrophy type 2J. Last evaluated: 2025-06-12. Review status: criteria provided, single submitter. Criteria: Invitae Variant Classification Sherloc (09022015). Collection method: clinical testing. Allele origin: germline.

Laboratory for Molecular Medicine, Mass General Brigham Personalized Medicine
Classification: Likely benign. Last evaluated: 2015-10-01. Review status: criteria provided, single submitter. Criteria: LMM Criteria. Collection method: clinical testing. Allele origin: germline. Observed: 1 variant allele.
Comment: p.Pro32713Pro in exon 307 of TTN: This variant is not expected to have clinical significance because it does not alter an amino acid residue and is not located within the splice consensus sequence.

NM_001267550.2(TTN):c.105843A>T (p.Pro35281=)

Genes: TTN-AS1 (TTN antisense RNA 1; plus strand), TTN (titin; minus strand), LOC129935183 (ATAC-STARR-seq lymphoblastoid active region 16808; plus strand). Cytogenetic location: 2q31.2.
Variant type: single nucleotide variant.
Coding change: c.105843A>T on transcript NM_001267550.2 (MANE Select); coding-DNA position 105843, A replaced by T.
Protein change: p.Pro35281=; no amino-acid change (proline 35281 retained).
Molecular consequence: synonymous variant.
Genome position (GRCh38, 1-based): chr2:178,530,772, T>A on the plus strand (A>T on the coding strand, the complement: TTN is on the minus strand). VCF-style: chr2-178530772-T-A. GRCh37 (hg19) VCF-style: chr2-179395499-T-A.
Other names: c.98139A>T, p.Pro32713= (NM_133378.4); c.100920A>T, p.Pro33640= (NM_001256850.1); c.78648A>T, p.Pro26216= (NM_003319.4); c.79023A>T, p.Pro26341= (NM_133432.3); c.79224A>T, p.Pro26408= (NM_133437.4).
Identifiers: ClinVar variation 228180 (VCV000228180.8), dbSNP rs876657619, ClinGen allele CA10576448.
Genomic context (GRCh38, chr2:178,530,772, plus strand): 5'-TGCAATCTCTTTAGAAGCTTCTGCTTTCAGGAACTGAGTAATCTTTGGTGGGGCAGAGAC[T>A]GGGAGGTGCTGAACTTTCTCTGTTGGTGTTGGTTTTGTCTCTGTGGGTGATACGGCTTTC-3'
Protein context (NP_001254479.2, residues 35271-35291): PTPTEKVQHL[Pro35281=]VSAPPKITQF